The following is an entry in ClinVar:

NM_000554.6(CRX):c.128G>T (p.Arg43Leu)

Gene: CRX (cone-rod homeobox; plus strand). Cytogenetic location: 19q13.33.
Variant type: single nucleotide variant.
Coding change: c.128G>T on transcript NM_000554.6 (MANE Select); coding-DNA position 128, G replaced by T.
Protein change: p.Arg43Leu; replaces arginine 43 with leucine.
Molecular consequence: missense variant.
Genome position (GRCh38, 1-based): chr19:47,836,270, G>T. VCF-style: chr19-47836270-G-T. GRCh37 (hg19) VCF-style: chr19-48339527-G-T.
Other names: short protein forms R43L.
Identifiers: ClinVar variation 1514396 (VCV001514396.8), dbSNP rs771736389, ClinGen allele CA406629455.
Genomic context (GRCh38, chr19:47,836,270, plus strand): 5'-GACCTGAGGGTCCTGTTTCCCATCCCACCCCAGGCGCCCCCAGGAAGCAGCGGCGGGAGC[G>T]CACCACCTTCACCCGGAGCCAACTGGAGGAGCTGGAGGCACTGTTTGCCAAGACCCAGTA-3'
Protein context (NP_000545.1, residues 33-53): PSAPRKQRRE[Arg43Leu]TTFTRSQLEE

ClinVar aggregate classification (germline): Uncertain significance (1 of 4 stars; one submission).

Conditions:
Cone-rod dystrophy 2 (CORD2). Also called: CONE-ROD RETINAL DYSTROPHY; Cone-rod retinal dystrophy 2. Identifiers: Orphanet 1872, MedGen C3489532, MONDO:0007362, OMIM 120970.
Leber congenital amaurosis 7 (LCA7). Identifiers: Orphanet 65, MedGen C3151192, MONDO:0013449, OMIM 613829.

gnomAD v4.1: 1 of 1,614,108 alleles (0.000062%); highest among the groups gnomAD compares: Non-Finnish European, 0.000085%; no homozygotes.

Submission:

Labcorp Genetics (formerly Invitae), Labcorp
Classification: Uncertain significance for Cone-rod dystrophy 2; Leber congenital amaurosis 7. Last evaluated: 2022-04-28. Review status: criteria provided, single submitter. Criteria: Invitae Variant Classification Sherloc (09022015). Collection method: clinical testing. Allele origin: germline.
Comment: In summary, the available evidence is currently insufficient to determine the role of this variant in disease. Therefore, it has been classified as a Variant of Uncertain Significance. This variant disrupts the p.Arg32 amino acid residue in CRX. Other variant(s) that disrupt this residue have been determined to be pathogenic (PMID: 26992781, 30718709, 31626798). This suggests that this residue is clinically significant, and that variants that disrupt this residue are likely to be disease-causing. Algorithms developed to predict the effect of missense changes on protein structure and function (SIFT, PolyPhen-2, Align-GVGD) all suggest that this variant is likely to be disruptive. This variant has not been reported in the literature in individuals affected with CRX-related conditions. This variant is not present in population databases (gnomAD no frequency). This sequence change replaces arginine, which is basic and polar, with leucine, which is neutral and non-polar, at codon 43 of the CRX protein (p.Arg43Leu).

Literature cited by the submitters: PubMed 26992781; PubMed 30718709; PubMed 31626798.